The following is an entry in ClinVar:

NM_144670.6(A2ML1):c.3346A>C (p.Met1116Leu)

Gene: A2ML1 (alpha-2-macroglobulin like 1; plus strand). Cytogenetic location: 12p13.31.
Variant type: single nucleotide variant.
Coding change: c.3346A>C on transcript NM_144670.6 (MANE Select); coding-DNA position 3346, A replaced by C.
Protein change: p.Met1116Leu; replaces methionine 1116 with leucine.
Molecular consequence: missense variant.
Genome position (GRCh38, 1-based): chr12:8,861,141, A>C. VCF-style: chr12-8861141-A-C. GRCh37 (hg19) VCF-style: chr12-9013737-A-C.
Other names: c.3346A>C (NM_144670.5); c.1873A>C, p.Met625Leu (NM_001282424.3); short protein forms M1116L, M625L.
Identifiers: ClinVar variation 1409566 (VCV001409566.6), dbSNP rs79889829, ClinGen allele CA6436361.

ClinVar aggregate classification (germline): Uncertain significance. Review status: criteria provided, multiple submitters, no conflicts (2 of 4 stars). 2 submissions from 2 submitters: Uncertain significance (2). Last evaluated 2023-01-17.

Conditions:
A2ML1-related disorder. Also called: A2ML1-related condition.

Submissions (2):

PreventionGenetics, part of Exact Sciences
Classification: Uncertain significance for A2ML1-related condition. Last evaluated: 2023-01-17. Review status: criteria provided, single submitter. Criteria: ACMG Guidelines, 2015. Collection method: clinical testing. Allele origin: germline.
Comment: The A2ML1 c.3346A>C variant is predicted to result in the amino acid substitution p.Met1116Leu. To our knowledge, this variant has not been reported in the literature. This variant is reported in 0.0033% of alleles in individuals of South Asian descent in gnomAD. At this time, the clinical significance of this variant is uncertain due to the absence of conclusive functional and genetic evidence.

Labcorp Genetics (formerly Invitae), Labcorp
Classification: Uncertain significance. Last evaluated: 2022-07-11. Review status: criteria provided, single submitter. Criteria: Invitae Variant Classification Sherloc (09022015). Collection method: clinical testing. Allele origin: germline.
Comment: In summary, the available evidence is currently insufficient to determine the role of this variant in disease. Therefore, it has been classified as a Variant of Uncertain Significance. Algorithms developed to predict the effect of missense changes on protein structure and function (SIFT, PolyPhen-2, Align-GVGD) all suggest that this variant is likely to be tolerated. This sequence change replaces methionine, which is neutral and non-polar, with leucine, which is neutral and non-polar, at codon 1116 of the A2ML1 protein (p.Met1116Leu). This variant is present in population databases (rs79889829, gnomAD 0.003%). This variant has not been reported in the literature in individuals affected with A2ML1-related conditions. ClinVar contains an entry for this variant (Variation ID: 1409566).